The following is an entry in ClinVar:

ClinVar aggregate classification (germline): Uncertain significance (1 of 4 stars; one submission).

Conditions:
Ehlers-Danlos syndrome, type 4 (EDSVASC). Also called: Ehlers-Danlos syndrome vascular type; Ehlers Danlos syndrome, ecchymotic type; Ehlers Danlos syndrome, arterial type; Ehlers Danlos syndrome, Sack-Barabas type; Ehlers-Danlos Syndrome Type IV. Identifiers: Orphanet 286, MedGen C0268338, MONDO:0017314, OMIM 130050.

gnomAD v4.1: 6 of 1,553,536 alleles (0.00039%); highest among the groups gnomAD compares: Non-Finnish European, 0.00052%; no homozygotes.

Submission:

Labcorp Genetics (formerly Invitae), Labcorp
Classification: Uncertain significance for Ehlers-Danlos syndrome, type 4. Last evaluated: 2025-11-10. Review status: criteria provided, single submitter. Criteria: Invitae Variant Classification Sherloc (09022015). Collection method: clinical testing. Allele origin: germline.
Comment: This sequence change replaces proline, which is neutral and non-polar, with threonine, which is neutral and polar, at codon 505 of the COL3A1 protein (p.Pro505Thr). This variant is not present in population databases (gnomAD no frequency). This variant has not been reported in the literature in individuals affected with COL3A1-related conditions. Invitae Evidence Modeling of protein sequence and biophysical properties (such as structural, functional, and spatial information, amino acid conservation, physicochemical variation, residue mobility, and thermodynamic stability) indicates that this missense variant is not expected to disrupt COL3A1 protein function with a negative predictive value of 95%. In summary, the available evidence is currently insufficient to determine the role of this variant in disease. Therefore, it has been classified as a Variant of Uncertain Significance.

NM_000090.4(COL3A1):c.1513C>A (p.Pro505Thr)

Gene: COL3A1 (collagen type III alpha 1 chain; plus strand). Cytogenetic location: 2q32.2.
Variant type: single nucleotide variant.
Coding change: c.1513C>A on transcript NM_000090.4 (MANE Select); coding-DNA position 1513, C replaced by A.
Protein change: p.Pro505Thr; replaces proline 505 with threonine.
Molecular consequence: missense variant.
Genome position (GRCh38, 1-based): chr2:188,995,695, C>A. VCF-style: chr2-188995695-C-A. GRCh37 (hg19) VCF-style: chr2-189860421-C-A.
Other names: short protein forms P505T.
Identifiers: ClinVar variation 4754479 (VCV004754479.1).
Genomic context (GRCh38, chr2:188,995,695, plus strand): 5'-GCTATCTAGGTTAGTGAAGGCTATTTTAATTTTTTTAAAATTTCTTTCACTACTTAGGGT[C>A]CTGCTGGAGAGCGTGGTGCTCCAGGCCCTGCAGGGCCCAGAGGAGCTGCTGGAGAACCTG-3'
Protein context (NP_000081.2, residues 495-515): GPNGIPGEKG[Pro505Thr]AGERGAPGPA